The following is an entry in ClinVar:

NM_006019.4(TCIRG1):c.218G>A (p.Arg73Gln)

Gene: TCIRG1 (T cell immune regulator 1, ATPase H+ transporting V0 subunit a3; plus strand). Cytogenetic location: 11q13.2.
Variant type: single nucleotide variant.
Coding change: c.218G>A on transcript NM_006019.4 (MANE Select); coding-DNA position 218, G replaced by A.
Protein change: p.Arg73Gln; replaces arginine 73 with glutamine.
Molecular consequence: missense variant. On other transcripts: 5 prime UTR variant (1).
Genome position (GRCh38, 1-based): chr11:68,042,664, G>A. VCF-style: chr11-68042664-G-A. GRCh37 (hg19) VCF-style: chr11-67810131-G-A.
Other names: c.-1032G>A (NM_001351059.2); c.218G>A (NM_006019.3); short protein forms R73Q.
Identifiers: ClinVar variation 3708239 (VCV003708239.3).
Genomic context (GRCh38, chr11:68,042,664, plus strand): 5'-AACCTCAACTGCACCCCACTCCCGTTCCTCTGCGCCCAGCCTTCCTGCAGGAGGAGGTGC[G>A]GCGGGCTGGGCTGGTCCTGCCCCCGCCAAAGGGGAGGCTGCCGGCACCCCCACCCCGGGA-3'
Protein context (NP_006010.2, residues 63-83): KTFTFLQEEV[Arg73Gln]RAGLVLPPPK

ClinVar aggregate classification (germline): Uncertain significance. Review status: criteria provided, multiple submitters, no conflicts (2 of 4 stars). 2 submissions from 2 submitters: Uncertain significance (2). Last evaluated 2025-06-03.

Conditions:
Inborn genetic diseases. Identifiers: MedGen C0950123, MeSH D030342.

Submissions (2):

Ambry Genetics
Classification: Uncertain significance for Inborn genetic diseases. Last evaluated: 2025-06-03. Review status: criteria provided, single submitter. Criteria: Ambry Variant Classification Scheme 2023. Collection method: clinical testing. Allele origin: germline.

Labcorp Genetics (formerly Invitae), Labcorp
Classification: Uncertain significance. Last evaluated: 2024-10-17. Review status: criteria provided, single submitter. Criteria: Invitae Variant Classification Sherloc (09022015). Collection method: clinical testing. Allele origin: germline.
Comment: This sequence change replaces arginine, which is basic and polar, with glutamine, which is neutral and polar, at codon 73 of the TCIRG1 protein (p.Arg73Gln). The frequency data for this variant in the population databases is considered unreliable, as metrics indicate poor data quality at this position in the gnomAD database. This variant has not been reported in the literature in individuals affected with TCIRG1-related conditions. An algorithm developed to predict the effect of missense changes on protein structure and function outputs the following: PolyPhen-2: "Benign". The glutamine amino acid residue is found in multiple mammalian species, which suggests that this missense change does not adversely affect protein function. In summary, the available evidence is currently insufficient to determine the role of this variant in disease. Therefore, it has been classified as a Variant of Uncertain Significance.